The following is an entry in ClinVar:

NM_006648.4(WNK2):c.1819G>A (p.Ala607Thr)

Gene: WNK2 (WNK lysine deficient protein kinase 2; plus strand). Cytogenetic location: 9q22.31.
Variant type: single nucleotide variant.
Coding change: c.1819G>A on transcript NM_006648.4 (MANE Select); coding-DNA position 1819, G replaced by A.
Protein change: p.Ala607Thr; replaces alanine 607 with threonine.
Molecular consequence: missense variant.
Genome position (GRCh38, 1-based): chr9:93,247,819, G>A. VCF-style: chr9-93247819-G-A. GRCh37 (hg19) VCF-style: chr9-96010101-G-A.
Other names: c.1819G>A, p.Ala607Thr (NM_001282394.3); short protein forms A607T.
Identifiers: ClinVar variation 3470512 (VCV003470512.1).

ClinVar aggregate classification (germline): Uncertain significance (1 of 4 stars; one submission).

gnomAD v4.1: 20 of 1,539,300 alleles (0.0013%); highest among the groups gnomAD compares: Non-Finnish European, 0.0014%; no homozygotes.

Submission:

Ambry Genetics
Classification: Uncertain significance. Last evaluated: 2024-11-28. Review status: criteria provided, single submitter. Criteria: Ambry Variant Classification Scheme 2023. Collection method: clinical testing. Allele origin: germline.
Comment: The p.A607T variant (also known as c.1819G>A), located in coding exon 7 of the WNK2 gene, results from a G to A substitution at nucleotide position 1819. The alanine at codon 607 is replaced by threonine, an amino acid with similar properties. This amino acid position is conserved. In addition, this alteration is predicted to be tolerated by in silico analysis. Based on the available evidence, the clinical significance of this variant remains unclear.